The following is an entry in ClinVar:

ClinVar aggregate classification (germline): Uncertain significance. Review status: criteria provided, multiple submitters, no conflicts (2 of 4 stars). 3 submissions from 3 submitters: Uncertain significance (3). Last evaluated 2026-01-13.

Conditions:
Retinal dystrophy. Also called: Inherited retinal dystrophy. Identifiers: Orphanet 71862, MedGen C0854723, MeSH D058499, MONDO:0019118, HP:0000556.

Allele frequency attached by ClinVar (database versions not stated): ExAC 0.00008; ESP Exome Variant Server 0.00008; TOPMed 0.00008; gnomAD 0.00009 and 0.00010.
gnomAD v4.1: 105 of 1,611,074 alleles (0.0065%); highest among the groups gnomAD compares: Middle Eastern, 0.016%; no homozygotes.

Submissions (3):

Labcorp Genetics (formerly Invitae), Labcorp
Classification: Uncertain significance. Last evaluated: 2026-01-13. Review status: criteria provided, single submitter. Criteria: Invitae Variant Classification Sherloc (09022015). Collection method: clinical testing. Allele origin: germline.
Comment: This sequence change replaces valine, which is neutral and non-polar, with alanine, which is neutral and non-polar, at codon 554 of the DHX38 protein (p.Val554Ala). This variant is present in population databases (rs374496350, gnomAD 0.02%). This missense change has been observed in individual(s) with clinical features of DHX38-related conditions (internal data). ClinVar contains an entry for this variant (Variation ID: 859228). Invitae Evidence Modeling of protein sequence and biophysical properties (such as structural, functional, and spatial information, amino acid conservation, physicochemical variation, residue mobility, and thermodynamic stability) indicates that this missense variant is expected to disrupt DHX38 protein function with a positive predictive value of 80%. In summary, the available evidence is currently insufficient to determine the role of this variant in disease. Therefore, it has been classified as a Variant of Uncertain Significance.

Blueprint Genetics
Classification: Uncertain significance. Last evaluated: 2024-10-25. Review status: criteria provided, single submitter. Criteria: ACMG Guidelines, 2015. Collection method: clinical testing. Allele origin: germline.

Dept Of Ophthalmology, Nagoya University
Classification: Uncertain significance for Retinal dystrophy. Last evaluated: 2023-10-01. Review status: criteria provided, single submitter. Criteria: Submitter's publication. Collection method: research. Allele origin: germline. Affected: yes.

NM_014003.4(DHX38):c.1661T>C (p.Val554Ala)

Gene: DHX38 (DEAH-box helicase 38; plus strand). Cytogenetic location: 16q22.2.
Variant type: single nucleotide variant.
Coding change: c.1661T>C on transcript NM_014003.4 (MANE Select); coding-DNA position 1661, T replaced by C.
Protein change: p.Val554Ala; replaces valine 554 with alanine.
Molecular consequence: missense variant.
Genome position (GRCh38, 1-based): chr16:72,103,625, T>C. VCF-style: chr16-72103625-T-C. GRCh37 (hg19) VCF-style: chr16-72137524-T-C.
Other names: short protein forms V554A.
Identifiers: ClinVar variation 859228 (VCV000859228.7), dbSNP rs374496350, ClinGen allele CA8160379.